The following is an entry in ClinVar:

NM_001256317.3(TMPRSS3):c.1328T>C (p.Ile443Thr)

Gene: TMPRSS3 (transmembrane serine protease 3; minus strand). Cytogenetic location: 21q22.3.
Variant type: single nucleotide variant.
Coding change: c.1328T>C on transcript NM_001256317.3 (MANE Select); coding-DNA position 1328, T replaced by C.
Protein change: p.Ile443Thr; replaces isoleucine 443 with threonine.
Molecular consequence: missense variant.
Genome position (GRCh38, 1-based): chr21:42,375,732, A>G on the plus strand (T>C on the coding strand, the complement: TMPRSS3 is on the minus strand). VCF-style: chr21-42375732-A-G. GRCh37 (hg19) VCF-style: chr21-43795841-A-G.
Other names: c.950T>C, p.Ile317Thr (NM_032404.3); c.1331T>C, p.Ile444Thr (NM_024022.4); short protein forms I444T, I317T, I443T.
Identifiers: ClinVar variation 2445667 (VCV002445667.1), dbSNP rs2517096730, ClinGen allele CA410368593.
Genomic context (GRCh38, chr21:42,375,732, plus strand): 5'-CAAAAGCCAGGGACAACGTGAGCTGGGGAGGGCGCCGCACCCACCTCCATCTGCTCGTGG[A>G]TCCAGTCCAGGAAGGAGGTGACACGGGTGTACACCCCAGGCTTGTTCACCTCTGCGCAGC-3'
Protein context (NP_001243246.1, residues 433-453): YTRVTSFLDW[Ile443Thr]HEQMERDLKT

ClinVar aggregate classification (germline): Likely pathogenic (1 of 4 stars; one submission).

Conditions:
Autosomal recessive nonsyndromic hearing loss 8 (DFNB8). Also called: NEUROSENSORY NONSYNDROMIC RECESSIVE DEAFNESS 8; Deafness, autosomal recessive 10. Identifiers: Orphanet 90636, MedGen C1832827, MONDO:0010987, OMIM 601072.

Allele frequency attached by ClinVar (database versions not stated): gnomAD exomes below 0.00001.
gnomAD v4.1: 1 of 1,613,732 alleles (0.000062%); highest among the groups gnomAD compares: Non-Finnish European, 0.000085%; no homozygotes.

Submission:

King Laboratory, University of Washington
Classification: Likely pathogenic for Autosomal recessive nonsyndromic hearing loss 8. Last evaluated: 2023-02-28. Review status: criteria provided, single submitter. Criteria: Li et al. (Genet Med. 2022). Collection method: research. Allele origin: unknown. Affected: yes.
Comment: This variant is a missense at a highly conserved site in the peptidase S1 domain of the TMPRSS3 protein and is predicted to be damaging by multiple in-silico tools. As of January 2023, this variant has not been reported to ClinVar and is not found on gnomAD. Based on consistently predicted functional effect, compound heterozygosity with a pathogenic variant, and goodness of fit of genotype to phenotype, we conclude that this variant is likely pathogenic.

Literature cited by the submitters: PubMed 36633841.